The following is an entry in ClinVar:

NM_003737.4(DCHS1):c.8734C>T (p.Arg2912Trp)

Gene: DCHS1 (dachsous cadherin-related 1; minus strand). Cytogenetic location: 11p15.4.
Variant type: single nucleotide variant.
Coding change: c.8734C>T on transcript NM_003737.4 (MANE Select); coding-DNA position 8734, C replaced by T.
Protein change: p.Arg2912Trp; replaces arginine 2912 with tryptophan.
Molecular consequence: missense variant.
Genome position (GRCh38, 1-based): chr11:6,622,942, G>A on the plus strand (C>T on the coding strand, the complement: DCHS1 is on the minus strand). VCF-style: chr11-6622942-G-A. GRCh37 (hg19) VCF-style: chr11-6644173-G-A.
Other names: short protein forms R2912W.
Identifiers: ClinVar variation 1502190 (VCV001502190.6), dbSNP rs1490443005, ClinGen allele CA379480445.

ClinVar aggregate classification (germline): Uncertain significance (1 of 4 stars; one submission).

Allele frequency attached by ClinVar (database versions not stated): TOPMed 0.00001.
gnomAD v4.1: 2 of 1,584,924 alleles (0.00013%); highest among the groups gnomAD compares: Non-Finnish European, 0.00017%; no homozygotes.

Submission:

Labcorp Genetics (formerly Invitae), Labcorp
Classification: Uncertain significance. Last evaluated: 2023-03-13. Review status: criteria provided, single submitter. Criteria: Invitae Variant Classification Sherloc (09022015). Collection method: clinical testing. Allele origin: germline.
Comment: In summary, the available evidence is currently insufficient to determine the role of this variant in disease. Therefore, it has been classified as a Variant of Uncertain Significance. An algorithm developed to predict the effect of missense changes on protein structure and function (PolyPhen-2) suggests that this variant is likely to be disruptive. ClinVar contains an entry for this variant (Variation ID: 1502190). This variant has not been reported in the literature in individuals affected with DCHS1-related conditions. This variant is not present in population databases (gnomAD no frequency). This sequence change replaces arginine, which is basic and polar, with tryptophan, which is neutral and slightly polar, at codon 2912 of the DCHS1 protein (p.Arg2912Trp).